The following is an entry in ClinVar:

NM_000037.4(ANK1):c.27+5G>A

Gene: ANK1 (ankyrin 1; minus strand). Cytogenetic location: 8p11.21.
Variant type: single nucleotide variant.
Coding change: c.27+5G>A on transcript NM_000037.4 (MANE Select); 5 bases into the intron after coding-DNA position 27, G replaced by A.
Molecular consequence: intron variant.
Genome position (GRCh38, 1-based): chr8:41,797,507, C>T on the plus strand (G>A on the coding strand, the complement: ANK1 is on the minus strand). VCF-style: chr8-41797507-C-T. GRCh37 (hg19) VCF-style: chr8-41655025-C-T.
Other names: c.127-39370G>A (NM_001142446.2); c.27+5G>A (NM_020477.3, NM_020475.3, NM_020476.3).
Identifiers: ClinVar variation 3662068 (VCV003662068.2).
Genomic context (GRCh38, chr8:41,797,507, plus strand): 5'-GGCGCGGCCTGGGTGGCCCCCTCCTGACATCTCCCCGTCCACCCGAGCAGCCGCCCAGTA[C>T]TCACTTCGCGGAAGCCCACAGAATAGGGCATGCCGGTCTTTCAGCAGGGGCCCGCCGAAG-3'

ClinVar aggregate classification (germline): Uncertain significance (1 of 4 stars; one submission).

Submission:

Labcorp Genetics (formerly Invitae), Labcorp
Classification: Uncertain significance. Last evaluated: 2024-08-12. Review status: criteria provided, single submitter. Criteria: Invitae Variant Classification Sherloc (09022015). Collection method: clinical testing. Allele origin: germline.
Comment: This sequence change falls in intron 1 of the ANK1 gene. It does not directly change the encoded amino acid sequence of the ANK1 protein. It affects a nucleotide within the consensus splice site. This variant is not present in population databases (gnomAD no frequency). This variant has not been reported in the literature in individuals affected with ANK1-related conditions. Variants that disrupt the consensus splice site are a relatively common cause of aberrant splicing (PMID: 17576681, 9536098). Algorithms developed to predict the effect of sequence changes on RNA splicing suggest that this variant may disrupt the consensus splice site. In summary, the available evidence is currently insufficient to determine the role of this variant in disease. Therefore, it has been classified as a Variant of Uncertain Significance.

Literature cited by the submitters: PubMed 17576681; PubMed 9536098.